The following is an entry in ClinVar:

NM_006118.4(HAX1):c.-52G>T

Genes: HAX1 (HCLS1 associated protein X-1; plus strand), LOC129931498 (ATAC-STARR-seq lymphoblastoid active region 1775; plus strand). Cytogenetic location: 1q21.3.
Variant type: single nucleotide variant.
Coding change: c.-52G>T on transcript NM_006118.4 (MANE Select); 52 bases upstream of the start codon, G replaced by T.
Molecular consequence: 5 prime UTR variant.
Genome position (GRCh38, 1-based): chr1:154,272,672, G>T. VCF-style: chr1-154272672-G-T. GRCh37 (hg19) VCF-style: chr1-154245148-G-T.
Other names: c.-52G>T (NM_001018837.2).
Identifiers: ClinVar variation 292702 (VCV000292702.6), dbSNP rs578086387, ClinGen allele CA10607880.

ClinVar aggregate classification (germline): Benign. Review status: criteria provided, multiple submitters, no conflicts (2 of 4 stars). 2 submissions from 2 submitters: Benign (2). Last evaluated 2018-01-12.

Conditions:
Kostmann syndrome (SCN3). Also called: KOSTMANN DISEASE; Autosomal recessive severe congenital neutropenia type 3. Identifiers: Orphanet 99749, MedGen C5235141, MONDO:0012548, OMIM 610738.

Allele frequency attached by ClinVar (database versions not stated): TOPMed 0.00006; gnomAD 0.00009 and 0.00138; gnomAD exomes 0.00240; 1000 Genomes Project 0.01038; 1000 Genomes Project 30x 0.01046.
gnomAD v4.1: 3,668 of 1,582,242 alleles (0.23%); highest among the groups gnomAD compares: South Asian, 3.8%; 100 homozygotes.

Submissions (2):

Illumina Laboratory Services, Illumina
Classification: Benign for Kostmann syndrome. Last evaluated: 2018-01-12. Review status: criteria provided, single submitter. Criteria: ICSL Variant Classification Criteria 13 December 2019. Collection method: clinical testing. Allele origin: germline.
Comment: This variant was observed in the ICSL laboratory as part of a predisposition screen in an ostensibly healthy population. It had not been previously curated by ICSL or reported in the Human Gene Mutation Database (HGMD: prior to June 1st, 2018), and was therefore a candidate for classification through an automated scoring system. Utilizing variant allele frequency, disease prevalence and penetrance estimates, and inheritance mode, an automated score was calculated to assess if this variant is too frequent to cause the disease. Based on the score and internal cut-off values, a variant classified as benign is not then subjected to further curation. The score for this variant resulted in a classification of benign for this disease.

Breakthrough Genomics
Classification: Benign. Review status: criteria provided, single submitter. Criteria: ACMG Guidelines, 2015. Collection method: not provided. Allele origin: germline. Inheritance: Autosomal recessive inheritance. Affected: yes.